The following is an entry in ClinVar:

NM_139076.3(ABRAXAS1):c.809T>C (p.Ile270Thr)

Gene: ABRAXAS1 (abraxas 1, BRCA1 A complex subunit; minus strand). Cytogenetic location: 4q21.23.
Variant type: single nucleotide variant.
Coding change: c.809T>C on transcript NM_139076.3 (MANE Select); coding-DNA position 809, T replaced by C.
Protein change: p.Ile270Thr; replaces isoleucine 270 with threonine.
Molecular consequence: missense variant.
Genome position (GRCh38, 1-based): chr4:83,462,890, A>G on the plus strand (T>C on the coding strand, the complement: ABRAXAS1 is on the minus strand). VCF-style: chr4-83462890-A-G. GRCh37 (hg19) VCF-style: chr4-84384043-A-G.
Other names: c.482T>C, p.Ile161Thr (NM_001345962.2); short protein forms I161T, I270T.
Identifiers: ClinVar variation 5029157 (VCV005029157.1).

ClinVar aggregate classification (germline): Uncertain significance (1 of 4 stars; one submission).

Submission:

Ambry Genetics
Classification: Uncertain significance. Last evaluated: 2026-08-10. Review status: criteria provided, single submitter. Criteria: Ambry Variant Classification Scheme 2023. Collection method: clinical testing. Allele origin: germline.
Comment: The p.I270T variant (also known as c.809T>C), located in coding exon 9 of the FAM175A gene, results from a T to C substitution at nucleotide position 809. The isoleucine at codon 270 is replaced by threonine, an amino acid with similar properties. This amino acid position is conserved. In addition, this alteration is predicted to be tolerated by in silico analysis. Based on the available evidence, the clinical significance of this variant remains unclear.